The following is an entry in ClinVar:

NM_017534.6(MYH2):c.2518T>C (p.Phe840Leu)

Genes: MYH2 (myosin heavy chain 2; minus strand), MYHAS (myosin heavy chain gene cluster antisense RNA; plus strand). Cytogenetic location: 17p13.1.
Variant type: single nucleotide variant.
Coding change: c.2518T>C on transcript NM_017534.6 (MANE Select); coding-DNA position 2518, T replaced by C.
Protein change: p.Phe840Leu; replaces phenylalanine 840 with leucine.
Molecular consequence: missense variant.
Genome position (GRCh38, 1-based): chr17:10,531,812, A>G on the plus strand (T>C on the coding strand, the complement: MYH2 is on the minus strand). VCF-style: chr17-10531812-A-G. GRCh37 (hg19) VCF-style: chr17-10435129-A-G.
Other names: c.2518T>C, p.Phe840Leu (NM_001100112.2); short protein forms F840L.
Identifiers: ClinVar variation 1366215 (VCV001366215.8), dbSNP rs1242325182, ClinGen allele CA398146232.

ClinVar aggregate classification (germline): Uncertain significance (1 of 4 stars; one submission).

Conditions:
Myopathy, proximal, and ophthalmoplegia (CMYO6). Also called: INCLUSION BODY MYOPATHY 3, AUTOSOMAL DOMINANT; MYOPATHY WITH CONGENITAL JOINT CONTRACTURES, OPHTHALMOPLEGIA, AND RIMMED VACUOLES; CONGENITAL MYOPATHY 6 WITH OPHTHALMOPLEGIA. Identifiers: Orphanet 363677, Orphanet 79091, MedGen C1854106, MONDO:0011577, OMIM 605637.

Allele frequency attached by ClinVar (database versions not stated): gnomAD exomes below 0.00001.
gnomAD v4.1: 4 of 1,614,174 alleles (0.00025%); highest among the groups gnomAD compares: Non-Finnish European, 0.000085%; no homozygotes.

Submission:

Labcorp Genetics (formerly Invitae), Labcorp
Classification: Uncertain significance for Myopathy, proximal, and ophthalmoplegia. Last evaluated: 2022-05-03. Review status: criteria provided, single submitter. Criteria: Invitae Variant Classification Sherloc (09022015). Collection method: clinical testing. Allele origin: germline.
Comment: In summary, the available evidence is currently insufficient to determine the role of this variant in disease. Therefore, it has been classified as a Variant of Uncertain Significance. Algorithms developed to predict the effect of missense changes on protein structure and function are either unavailable or do not agree on the potential impact of this missense change (SIFT: "Deleterious"; PolyPhen-2: "Probably Damaging"; Align-GVGD: "Class C15"). This variant has not been reported in the literature in individuals affected with MYH2-related conditions. This variant is present in population databases (no rsID available, gnomAD 0.0009%). This sequence change replaces phenylalanine, which is neutral and non-polar, with leucine, which is neutral and non-polar, at codon 840 of the MYH2 protein (p.Phe840Leu).